The following is an entry in ClinVar:

ClinVar aggregate classification (germline): Benign/Likely benign. Review status: criteria provided, multiple submitters, no conflicts (2 of 4 stars). 3 submissions from 3 submitters: Benign (1); Likely benign (1). 1 of the submissions does not count toward it. Last evaluated 2026-01-26.

Conditions:
LCT-related disorder. Also called: LCT-related condition.

Allele frequency attached by ClinVar (database versions not stated): 1000 Genomes Project 0.00020; 1000 Genomes Project 30x 0.00031; TOPMed 0.00049; gnomAD exomes 0.00069 and 0.00079; gnomAD 0.00082 and 0.00085; ExAC 0.00096; ESP Exome Variant Server 0.00100.
gnomAD v4.1: 1,127 of 1,614,156 alleles (0.07%); highest among the groups gnomAD compares: Non-Finnish European, 0.08%; 7 homozygotes.

Submissions (3):

Labcorp Genetics (formerly Invitae), Labcorp
Classification: Benign. Last evaluated: 2026-01-26. Review status: criteria provided, single submitter. Criteria: Invitae Variant Classification Sherloc (09022015). Collection method: clinical testing. Allele origin: germline.

Blueprint Genetics
Classification: Likely benign. Last evaluated: 2024-11-07. Review status: criteria provided, single submitter. Criteria: ACMG Guidelines, 2015. Collection method: clinical testing. Allele origin: germline.

PreventionGenetics, part of Exact Sciences
Classification: Likely benign for LCT-related condition. Last evaluated: 2019-07-16. Review status: no assertion criteria provided. Collection method: clinical testing. Allele origin: germline. Not counted in ClinVar's aggregate classification.
Comment: This variant is classified as likely benign based on ACMG/AMP sequence variant interpretation guidelines (Richards et al. 2015 PMID: 25741868, with internal and published modifications).

NM_002299.4(LCT):c.4026G>A (p.Thr1342=)

Gene: LCT (lactase; minus strand). Cytogenetic location: 2q21.3.
Variant type: single nucleotide variant.
Coding change: c.4026G>A on transcript NM_002299.4 (MANE Select); coding-DNA position 4026, G replaced by A.
Protein change: p.Thr1342=; no amino-acid change (threonine 1342 retained).
Molecular consequence: synonymous variant.
Genome position (GRCh38, 1-based): chr2:135,807,275, C>T on the plus strand (G>A on the coding strand, the complement: LCT is on the minus strand). VCF-style: chr2-135807275-C-T. GRCh37 (hg19) VCF-style: chr2-136564845-C-T.
Other names: c.4026G>A (LRG_338t1).
Identifiers: ClinVar variation 331180 (VCV000331180.16), dbSNP rs150640616, ClinGen allele CA1887931.